The following is an entry in ClinVar:

ClinVar aggregate classification (germline): Uncertain significance (1 of 4 stars; one submission).

Allele frequency attached by ClinVar (database versions not stated): 1000 Genomes Project 30x 0.00016; gnomAD 0.00022 and 0.00021; TOPMed 0.00022.

Submission:

GeneDx
Classification: Uncertain significance. Last evaluated: 2024-09-27. Review status: criteria provided, single submitter. Criteria: GeneDx Variant Classification Process June 2021. Collection method: clinical testing. Allele origin: germline. Affected: yes.
Comment: Reported in a patient with hypercholesterolemia in published literature (PMID: Otero2024[article]); Located in a regulatory region; in the absence of functional studies, the actual effect of this sequence change is unknown; This variant is associated with the following publications: (PMID: Otero2024[article])

NM_174936.4(PCSK9):c.*950C>T

Gene: PCSK9 (proprotein convertase subtilisin/kexin type 9; plus strand). Cytogenetic location: 1p32.3.
Variant type: single nucleotide variant.
Coding change: c.*950C>T on transcript NM_174936.4 (MANE Select); 950 bases downstream of the stop codon, C replaced by T.
Molecular consequence: 3 prime UTR variant.
Genome position (GRCh38, 1-based): chr1:55,064,534, C>T. VCF-style: chr1-55064534-C-T. GRCh37 (hg19) VCF-style: chr1-55530207-C-T.
Other names: c.*950C>T (NM_001407240.1, NM_001407241.1, NM_001407242.1 and 5 more transcripts).
Identifiers: ClinVar variation 297741 (VCV000297741.7), dbSNP rs72646537, ClinGen allele CA10610200.